The following is an entry in ClinVar:

ClinVar aggregate classification (germline): Pathogenic (1 of 4 stars; one submission).

Submission:

Labcorp Genetics (formerly Invitae), Labcorp
Classification: Pathogenic. Last evaluated: 2023-11-19. Review status: criteria provided, single submitter. Criteria: Invitae Variant Classification Sherloc (09022015). Collection method: clinical testing. Allele origin: germline.
Comment: This sequence change creates a premature translational stop signal (p.Tyr1215*) in the LRPPRC gene. It is expected to result in an absent or disrupted protein product. Loss-of-function variants in LRPPRC are known to be pathogenic (PMID: 26510951). This variant is not present in population databases (gnomAD no frequency). This variant has not been reported in the literature in individuals affected with LRPPRC-related conditions. ClinVar contains an entry for this variant (Variation ID: 2134988). For these reasons, this variant has been classified as Pathogenic.

Literature cited by the submitters: PubMed 26510951.

NM_133259.4(LRPPRC):c.3643_3644insG (p.Tyr1215Ter)

Gene: LRPPRC (leucine rich pentatricopeptide repeat containing; minus strand). Cytogenetic location: 2p21.
Variant type: Insertion.
Coding change: c.3643_3644insG on transcript NM_133259.4 (MANE Select); coding-DNA positions 3643 to 3644, G inserted.
Protein change: p.Tyr1215Ter; replaces tyrosine 1215 with a stop codon.
Molecular consequence: nonsense.
Genome position: GRCh38 VCF-style: chr2-43899531-T-TC. GRCh37 (hg19) VCF-style: chr2-44126670-T-TC.
Other names: short protein forms Y1215*.
Identifiers: ClinVar variation 2134988 (VCV002134988.4), dbSNP rs2466378358, ClinGen allele CA2580066498.
Genomic context (GRCh38, chr2:43,899,531, plus strand): 5'-TCAACTGCTGGTTCCAACTGCTCCTCTATTACTTTTCTGAATAAGTATGCCAAGCCGAAG[T>TC]ATTGGGGTTCAATGACTTTATTCTCTGAAGTAAGCATATTTTCAATGTTTTCTATTGCGG-3'